The following is an entry in ClinVar:

ClinVar aggregate classification (germline): Pathogenic (0 of 4 stars; one submission).

Conditions:
Fucosidosis. Also called: ALPHA-L-FUCOSIDASE DEFICIENCY. Identifiers: Orphanet 349, MedGen C0016788, MONDO:0009254, OMIM 230000.

Submission:

Research Laboratory of Human Genome and Multifactorial Diseases, Faculty of Pharmacy, University of Monastir
Classification: Pathogenic for Fucosidosis. Review status: no assertion criteria provided. Collection method: research. Allele origin: inherited. Inheritance: Autosomal recessive inheritance. Affected: yes. Observed: 1 compound heterozygote.

NM_000147.5(FUCA1):c.662+5G>C

Gene: FUCA1 (alpha-L-fucosidase 1; minus strand). Cytogenetic location: 1p36.11.
Variant type: single nucleotide variant.
Coding change: c.662+5G>C on transcript NM_000147.5 (MANE Select); 5 bases into the intron after coding-DNA position 662, G replaced by C.
Molecular consequence: intron variant.
Genome position (GRCh38, 1-based): chr1:23,863,129, C>G on the plus strand (G>C on the coding strand, the complement: FUCA1 is on the minus strand). VCF-style: chr1-23863129-C-G. GRCh37 (hg19) VCF-style: chr1-24189619-C-G.
Identifiers: ClinVar variation 979026 (VCV000979026.3), dbSNP rs941666554, ClinGen allele CA1139656003.